The following is an entry in ClinVar:

ClinVar aggregate classification (germline): Uncertain significance (1 of 4 stars; one submission).

gnomAD v4.1: 2 of 1,613,914 alleles (0.00012%); highest among the groups gnomAD compares: Non-Finnish European, 0.00017%; no homozygotes.

Submission:

Dasa
Classification: Uncertain significance. Last evaluated: 2026-04-06. Review status: criteria provided, single submitter. Criteria: DASA Assertion Criteria. Collection method: clinical testing. Allele origin: germline.
Comment: NM_006660.5(CLPX):c.1274G>A (p.Gly425Asp) is a missense variant that results in the substitution of glycine with aspartic acid. This variant is rare in population databases. The currently available literature and clinical evidence are not sufficient to establish a definitive association between this variant and the reported condition. Therefore, this variant is classified as a variant of uncertain significance.

NM_006660.5(CLPX):c.1274G>A (p.Gly425Asp)

Gene: CLPX (caseinolytic mitochondrial matrix peptidase chaperone subunit X; minus strand). Cytogenetic location: 15q22.31.
Variant type: single nucleotide variant.
Coding change: c.1274G>A on transcript NM_006660.5 (MANE Select); coding-DNA position 1274, G replaced by A.
Protein change: p.Gly425Asp; replaces glycine 425 with aspartic acid.
Molecular consequence: missense variant. On other transcripts: non-coding transcript variant (1).
Genome position (GRCh38, 1-based): chr15:65,155,729, C>T on the plus strand (G>A on the coding strand, the complement: CLPX is on the minus strand). VCF-style: chr15-65155729-C-T. GRCh37 (hg19) VCF-style: chr15-65448067-C-T.
Other names: short protein forms G425D.
Identifiers: ClinVar variation 4885858 (VCV004885858.2).